The following is an entry in ClinVar:

ClinVar aggregate classification (germline): Benign (1 of 4 stars; one submission).

Conditions:
Cone-rod dystrophy 5 (CORD5). Identifiers: Orphanet 1872, MedGen C1832976, MONDO:0010969, OMIM 600977.

Allele frequency attached by ClinVar (database versions not stated): gnomAD below 0.00001 and 0.00015; TOPMed 0.00004; 1000 Genomes Project 0.00040; 1000 Genomes Project 30x 0.00047.

Submission:

Illumina Laboratory Services, Illumina
Classification: Benign for Cone-rod dystrophy 5. Last evaluated: 2018-01-12. Review status: criteria provided, single submitter. Criteria: ICSL Variant Classification Criteria 13 December 2019. Collection method: clinical testing. Allele origin: germline.
Comment: This variant was observed in the ICSL laboratory as part of a predisposition screen in an ostensibly healthy population. It had not been previously curated by ICSL or reported in the Human Gene Mutation Database (HGMD: prior to June 1st, 2018), and was therefore a candidate for classification through an automated scoring system. Utilizing variant allele frequency, disease prevalence and penetrance estimates, and inheritance mode, an automated score was calculated to assess if this variant is too frequent to cause the disease. Based on the score and internal cut-off values, a variant classified as benign is not then subjected to further curation. The score for this variant resulted in a classification of benign for this disease.

NM_031220.4(PITPNM3):c.*924G>A

Gene: PITPNM3 (PITPNM family member 3; minus strand). Cytogenetic location: 17p13.2.
Variant type: single nucleotide variant.
Coding change: c.*924G>A on transcript NM_031220.4 (MANE Select); 924 bases downstream of the stop codon, G replaced by A.
Molecular consequence: 3 prime UTR variant.
Genome position (GRCh38, 1-based): chr17:6,454,414, C>T on the plus strand (G>A on the coding strand, the complement: PITPNM3 is on the minus strand). VCF-style: chr17-6454414-C-T. GRCh37 (hg19) VCF-style: chr17-6357734-C-T.
Other names: c.*924G>A (NM_001165966.2).
Identifiers: ClinVar variation 324728 (VCV000324728.5), dbSNP rs549677933, ClinGen allele CA10646542.